The following is an entry in ClinVar:

NM_001105192.3(TLE3):c.1598G>A (p.Arg533His)

Gene: TLE3 (TLE family member 3, transcriptional corepressor; minus strand). Cytogenetic location: 15q23.
Variant type: single nucleotide variant.
Coding change: c.1598G>A on transcript NM_001105192.3 (MANE Select); coding-DNA position 1598, G replaced by A.
Protein change: p.Arg533His; replaces arginine 533 with histidine.
Molecular consequence: missense variant.
Genome position (GRCh38, 1-based): chr15:70,054,666, C>T on the plus strand (G>A on the coding strand, the complement: TLE3 is on the minus strand). VCF-style: chr15-70054666-C-T. GRCh37 (hg19) VCF-style: chr15-70347005-C-T.
Other names: c.1583G>A, p.Arg528His (NM_001282979.2); c.1592G>A, p.Arg531His (NM_001282980.2); c.1577G>A, p.Arg526His (NM_001282981.2); c.1388G>A, p.Arg463His (NM_001282982.2); c.1607G>A, p.Arg536His (NM_005078.4); c.1571G>A, p.Arg524His (NM_020908.3); c.1607G>A (NM_005078.3); short protein forms R528H, R531H, R533H, R536H, R463H, R524H, R526H.
Identifiers: ClinVar variation 2316138 (VCV002316138.3), dbSNP rs2542812727, ClinGen allele CA393000282.

ClinVar aggregate classification (germline): Uncertain significance. Review status: criteria provided, single submitter (1 of 4 stars). 2 submissions from 2 submitters: Uncertain significance (1). 1 of the submissions does not count toward it. Last evaluated 2022-10-04.

Conditions:
TLE3-related condition.

Submissions (2):

Ambry Genetics
Classification: Uncertain significance. Last evaluated: 2022-10-04. Review status: criteria provided, single submitter. Criteria: Ambry Variant Classification Scheme 2023. Collection method: clinical testing. Allele origin: germline.

PreventionGenetics, part of Exact Sciences
Classification: Uncertain significance for TLE3-related condition. Last evaluated: 2024-03-11. Review status: no assertion criteria provided. Collection method: clinical testing. Allele origin: germline. Not counted in ClinVar's aggregate classification.
Comment: The TLE3 c.1607G>A variant is predicted to result in the amino acid substitution p.Arg536His. To our knowledge, this variant has not been reported in the literature or in a large population database, indicating this variant is rare. At this time, the clinical significance of this variant is uncertain due to the absence of conclusive functional and genetic evidence.